The following is an entry in ClinVar:

ClinVar aggregate classification (germline): Uncertain significance (1 of 4 stars; one submission).

Allele frequency attached by ClinVar (database versions not stated): gnomAD 0.00002; TOPMed 0.00002; gnomAD exomes 0.00003.
gnomAD v4.1: 49 of 1,614,006 alleles (0.003%); highest among the groups gnomAD compares: Middle Eastern, 0.18%; no homozygotes.

Submission:

Labcorp Genetics (formerly Invitae), Labcorp
Classification: Uncertain significance. Last evaluated: 2025-03-12. Review status: criteria provided, single submitter. Criteria: Invitae Variant Classification Sherloc (09022015). Collection method: clinical testing. Allele origin: germline.
Comment: This sequence change replaces serine, which is neutral and polar, with threonine, which is neutral and polar, at codon 779 of the DSG1 protein (p.Ser779Thr). This variant is present in population databases (no rsID available, gnomAD 0.005%). This variant has not been reported in the literature in individuals affected with DSG1-related conditions. ClinVar contains an entry for this variant (Variation ID: 2914585). An algorithm developed to predict the effect of missense changes on protein structure and function outputs the following: PolyPhen-2: "Benign". The threonine amino acid residue is found in multiple mammalian species, which suggests that this missense change does not adversely affect protein function. In summary, the available evidence is currently insufficient to determine the role of this variant in disease. Therefore, it has been classified as a Variant of Uncertain Significance.

NM_001942.4(DSG1):c.2336G>C (p.Ser779Thr)

Genes: DSG1 (desmoglein 1; plus strand), DSG1-AS1 (DSG1 antisense RNA 1; minus strand), LOC126862720 (MED14-independent group 3 enhancer GRCh37_chr18:28933613-28934812; plus strand). Cytogenetic location: 18q12.1.
Variant type: single nucleotide variant.
Coding change: c.2336G>C on transcript NM_001942.4 (MANE Select); coding-DNA position 2336, G replaced by C.
Protein change: p.Ser779Thr; replaces serine 779 with threonine.
Molecular consequence: missense variant.
Genome position (GRCh38, 1-based): chr18:31,354,532, G>C. VCF-style: chr18-31354532-G-C. GRCh37 (hg19) VCF-style: chr18-28934495-G-C.
Other names: short protein forms S779T.
Identifiers: ClinVar variation 2914585 (VCV002914585.3), dbSNP rs774017756, ClinGen allele CA402122225.